The following is an entry in ClinVar:

ClinVar aggregate classification (germline): Benign (1 of 4 stars; one submission).

Conditions:
Spinocerebellar ataxia type 27 (SCA27). Identifiers: Orphanet 98764, MedGen C1836383, MONDO:0012247.

Allele frequency attached by ClinVar (database versions not stated): gnomAD exomes 0.00185; gnomAD 0.01976 and 0.02130; 1000 Genomes Project 0.02177; TOPMed 0.02220; 1000 Genomes Project 30x 0.02420.
gnomAD v4.1: 3,117 of 230,910 alleles (1.3%); highest among the groups gnomAD compares: African/African-American, 6.7%; 109 homozygotes.

Submission:

Illumina Laboratory Services, Illumina
Classification: Benign for Spinocerebellar ataxia 27A. Last evaluated: 2018-01-13. Review status: criteria provided, single submitter. Criteria: ICSL Variant Classification Criteria 13 December 2019. Collection method: clinical testing. Allele origin: germline.
Comment: This variant was observed in the ICSL laboratory as part of a predisposition screen in an ostensibly healthy population. It had not been previously curated by ICSL or reported in the Human Gene Mutation Database (HGMD: prior to June 1st, 2018), and was therefore a candidate for classification through an automated scoring system. Utilizing variant allele frequency, disease prevalence and penetrance estimates, and inheritance mode, an automated score was calculated to assess if this variant is too frequent to cause the disease. Based on the score and internal cut-off values, a variant classified as benign is not then subjected to further curation. The score for this variant resulted in a classification of benign for this disease.

NM_004115.4(FGF14):c.*471A>C

Gene: FGF14 (fibroblast growth factor 14; minus strand). Cytogenetic location: 13q33.1.
Variant type: single nucleotide variant.
Coding change: c.*471A>C on transcript NM_004115.4 (MANE Select); 471 bases downstream of the stop codon, A replaced by C.
Molecular consequence: 3 prime UTR variant.
Genome position (GRCh38, 1-based): chr13:101,722,360, T>G on the plus strand (A>C on the coding strand, the complement: FGF14 is on the minus strand). VCF-style: chr13-101722360-T-G. GRCh37 (hg19) VCF-style: chr13-102374710-T-G.
Other names: c.*471A>C (NM_001321931.1, NM_001321932.1, NM_001321933.1 and 17 more transcripts).
Identifiers: ClinVar variation 310887 (VCV000310887.5), dbSNP rs75498912, ClinGen allele CA10643642.